The following is an entry in ClinVar:

NM_004369.4(COL6A3):c.8759C>A (p.Ala2920Asp)

Gene: COL6A3 (collagen type VI alpha 3 chain; minus strand). Cytogenetic location: 2q37.3.
Variant type: single nucleotide variant.
Coding change: c.8759C>A on transcript NM_004369.4 (MANE Select); coding-DNA position 8759, C replaced by A.
Protein change: p.Ala2920Asp; replaces alanine 2920 with aspartic acid.
Molecular consequence: missense variant.
Genome position (GRCh38, 1-based): chr2:237,336,341, G>T on the plus strand (C>A on the coding strand, the complement: COL6A3 is on the minus strand). VCF-style: chr2-237336341-G-T. GRCh37 (hg19) VCF-style: chr2-238244984-G-T.
Other names: c.6938C>A, p.Ala2313Asp (NM_057166.5); c.8141C>A, p.Ala2714Asp (NM_057167.4); short protein forms A2920D, A2714D, A2313D.
Identifiers: ClinVar variation 656437 (VCV000656437.11), dbSNP rs1455583519, ClinGen allele CA351191672.

ClinVar aggregate classification (germline): Uncertain significance (1 of 4 stars; one submission).

Conditions:
Bethlem myopathy 1A. Also called: Bethlem Muscular Dystrophy; Bethlem myopathy 1; MYOPATHY, BENIGN CONGENITAL, WITH CONTRACTURES. Identifiers: Orphanet 610, MedGen CN029274, MONDO:0024530, OMIM 158810.

Submission:

Labcorp Genetics (formerly Invitae), Labcorp
Classification: Uncertain significance for Bethlem myopathy 1A. Last evaluated: 2022-06-04. Review status: criteria provided, single submitter. Criteria: Invitae Variant Classification Sherloc (09022015). Collection method: clinical testing. Allele origin: germline.
Comment: In summary, the available evidence is currently insufficient to determine the role of this variant in disease. Therefore, it has been classified as a Variant of Uncertain Significance. Advanced modeling of protein sequence and biophysical properties (such as structural, functional, and spatial information, amino acid conservation, physicochemical variation, residue mobility, and thermodynamic stability) performed at Invitae indicates that this missense variant is not expected to disrupt COL6A3 protein function. ClinVar contains an entry for this variant (Variation ID: 656437). This variant has not been reported in the literature in individuals affected with COL6A3-related conditions. This variant is not present in population databases (gnomAD no frequency). This sequence change replaces alanine, which is neutral and non-polar, with aspartic acid, which is acidic and polar, at codon 2920 of the COL6A3 protein (p.Ala2920Asp).